The following is an entry in ClinVar:

NM_000081.4(LYST):c.9185C>A (p.Pro3062Gln)

Gene: LYST (lysosomal trafficking regulator; minus strand). Cytogenetic location: 1q42.3.
Variant type: single nucleotide variant.
Coding change: c.9185C>A on transcript NM_000081.4 (MANE Select); coding-DNA position 9185, C replaced by A.
Protein change: p.Pro3062Gln; replaces proline 3062 with glutamine.
Molecular consequence: missense variant.
Genome position (GRCh38, 1-based): chr1:235,724,158, G>T on the plus strand (C>A on the coding strand, the complement: LYST is on the minus strand). VCF-style: chr1-235724158-G-T. GRCh37 (hg19) VCF-style: chr1-235887458-G-T.
Other names: c.9185C>A, p.Pro3062Gln (NM_001301365.1); short protein forms P3062Q.
Identifiers: ClinVar variation 950730 (VCV000950730.5), dbSNP rs373960529, ClinGen allele CA1465640.

ClinVar aggregate classification (germline): Uncertain significance (1 of 4 stars; one submission).

Conditions:
Chédiak-Higashi syndrome (CHS). Also called: Chediak-Higashi Syndrome. Identifiers: Orphanet 167, MedGen C0007965, MONDO:0008963, OMIM 214500.

Allele frequency attached by ClinVar (database versions not stated): ExAC 0.00001; gnomAD 0.00001; gnomAD exomes 0.00001; TOPMed 0.00001; ESP Exome Variant Server 0.00008.
gnomAD v4.1: 19 of 1,613,532 alleles (0.0012%); highest among the groups gnomAD compares: Non-Finnish European, 0.0016%; no homozygotes.

Submission:

Labcorp Genetics (formerly Invitae), Labcorp
Classification: Uncertain significance for Chédiak-Higashi syndrome. Last evaluated: 2025-01-08. Review status: criteria provided, single submitter. Criteria: Invitae Variant Classification Sherloc (09022015). Collection method: clinical testing. Allele origin: germline.
Comment: This sequence change replaces proline, which is neutral and non-polar, with glutamine, which is neutral and polar, at codon 3062 of the LYST protein (p.Pro3062Gln). This variant is present in population databases (rs373960529, gnomAD 0.007%). This variant has not been reported in the literature in individuals affected with LYST-related conditions. ClinVar contains an entry for this variant (Variation ID: 950730). Invitae Evidence Modeling of protein sequence and biophysical properties (such as structural, functional, and spatial information, amino acid conservation, physicochemical variation, residue mobility, and thermodynamic stability) indicates that this missense variant is not expected to disrupt LYST protein function with a negative predictive value of 80%. In summary, the available evidence is currently insufficient to determine the role of this variant in disease. Therefore, it has been classified as a Variant of Uncertain Significance.